The following is an entry in ClinVar:

ClinVar aggregate classification (germline): Benign. Review status: criteria provided, single submitter (1 of 4 stars). 2 submissions from 2 submitters: Benign (1). 1 of the submissions does not count toward it. Last evaluated 2026-09-01.

Conditions:
KCNQ1-related disorder. Also called: KCNQ1-related disorders; KCNQ1-related condition. Identifiers: MedGen CN239322.

Allele frequency attached by ClinVar (database versions not stated): TOPMed 0.00307; gnomAD 0.00319 and 0.00348; 1000 Genomes Project 0.00339; gnomAD exomes 0.00385; 1000 Genomes Project 30x 0.00390.
gnomAD v4.1: 1,486 of 398,442 alleles (0.37%); highest among the groups gnomAD compares: South Asian, 1.2%; 6 homozygotes.

Submissions (2):

CeGaT Center for Human Genetics Tuebingen
Classification: Benign. Last evaluated: 2026-09-01. Review status: criteria provided, single submitter. Criteria: CeGaT Center For Human Genetics Tuebingen Variant Classification Criteria Version 2. Collection method: clinical testing. Allele origin: germline. Affected: yes. Observed: 26 variant alleles.
Comment: KCNQ1OT1: BS1, BS2; KCNQ1: BS1, BS2

PreventionGenetics, part of Exact Sciences
Classification: Likely benign for KCNQ1-related condition. Last evaluated: 2022-10-25. Review status: no assertion criteria provided. Collection method: clinical testing. Allele origin: germline. Not counted in ClinVar's aggregate classification.
Comment: This variant is classified as likely benign based on ACMG/AMP sequence variant interpretation guidelines (Richards et al. 2015 PMID: 25741868, with internal and published modifications).

NM_000218.3(KCNQ1):c.1394-13234C>T

Genes: KCNQ1 (potassium voltage-gated channel subfamily Q member 1; plus strand), KCNQ1OT1 (KCNQ1 opposite strand/antisense transcript 1; minus strand). Cytogenetic location: 11p15.5.
Variant type: single nucleotide variant.
Coding change: c.1394-13234C>T on transcript NM_000218.3 (MANE Select); 13234 bases into the intron before coding-DNA position 1394, C replaced by T.
Molecular consequence: intron variant.
Genome position (GRCh38, 1-based): chr11:2,648,727, C>T. VCF-style: chr11-2648727-C-T. GRCh37 (hg19) VCF-style: chr11-2669957-C-T.
Other names: c.1394-13234C>T (NM_000218.2); c.1124-13234C>T (NM_001406837.1); c.1298-13234C>T (NM_001406836.1); c.854-13234C>T (NM_001406838.1); c.1013-13234C>T (NM_181798.2).
Identifiers: ClinVar variation 1694602 (VCV001694602.32), dbSNP rs117669349, ClinGen allele CA216160978.